The following is an entry in ClinVar:

NM_005732.4(RAD50):c.1023G>C (p.Gln341His)

Gene: RAD50 (RAD50 double strand break repair protein; plus strand). Cytogenetic location: 5q31.1.
Variant type: single nucleotide variant.
Coding change: c.1023G>C on transcript NM_005732.4 (MANE Select); coding-DNA position 1023, G replaced by C.
Protein change: p.Gln341His; replaces glutamine 341 with histidine.
Molecular consequence: missense variant.
Genome position (GRCh38, 1-based): chr5:132,588,061, G>C. VCF-style: chr5-132588061-G-C. GRCh37 (hg19) VCF-style: chr5-131923753-G-C.
Other names: short protein forms Q341H.
Identifiers: ClinVar variation 457362 (VCV000457362.14), dbSNP rs1361941563, ClinGen allele CA360941520.
Genomic context (GRCh38, chr5:132,588,061, plus strand): 5'-ATTGGTAGACTGTCATCGTGAACTGGAAAAACTAAATAAAGAATCTAGGCTTCTCAATCA[G>C]GAAAAATCAGAACTGCTTGTTGAACAGGGTAGGACAAAATGTTTATTTGGTCGTTTTTCC-3'
Protein context (NP_005723.2, residues 331-351): KLNKESRLLN[Gln341His]EKSELLVEQG

ClinVar aggregate classification (germline): Uncertain significance. Review status: criteria provided, multiple submitters, no conflicts (2 of 4 stars). 2 submissions from 2 submitters: Uncertain significance (2). Last evaluated 2024-10-11.

Conditions:
Hereditary cancer-predisposing syndrome. Also called: Neoplastic Syndromes, Hereditary; Tumor predisposition; Hereditary Cancer Syndrome; Hereditary neoplastic syndrome. Identifiers: Orphanet 140162, MedGen C0027672, MeSH D009386, MONDO:0015356.

Allele frequency attached by ClinVar (database versions not stated): gnomAD exomes below 0.00001; TOPMed 0.00002.
gnomAD v4.1: 1 of 1,612,752 alleles (0.000062%); highest among the groups gnomAD compares: East Asian, 0.0022%; no homozygotes.

Submissions (2):

Ambry Genetics
Classification: Uncertain significance for Hereditary cancer-predisposing syndrome. Last evaluated: 2024-10-11. Review status: criteria provided, single submitter. Criteria: Ambry Variant Classification Scheme 2023. Collection method: clinical testing. Allele origin: germline.
Comment: The p.Q341H variant (also known as c.1023G>C), located in coding exon 7 of the RAD50 gene, results from a G to C substitution at nucleotide position 1023. The glutamine at codon 341 is replaced by histidine, an amino acid with highly similar properties. This amino acid position is not well conserved in available vertebrate species. In addition, this alteration is predicted to be tolerated by in silico analysis. Since supporting evidence is limited at this time, the clinical significance of this alteration remains unclear.

Labcorp Genetics (formerly Invitae), Labcorp
Classification: Uncertain significance for Hereditary cancer-predisposing syndrome. Last evaluated: 2024-04-10. Review status: criteria provided, single submitter. Criteria: Invitae Variant Classification Sherloc (09022015). Collection method: clinical testing. Allele origin: germline.
Comment: This sequence change replaces glutamine, which is neutral and polar, with histidine, which is basic and polar, at codon 341 of the RAD50 protein (p.Gln341His). This variant is not present in population databases (gnomAD no frequency). This variant has not been reported in the literature in individuals affected with RAD50-related conditions. ClinVar contains an entry for this variant (Variation ID: 457362). Advanced modeling of protein sequence and biophysical properties (such as structural, functional, and spatial information, amino acid conservation, physicochemical variation, residue mobility, and thermodynamic stability) performed at Invitae indicates that this missense variant is not expected to disrupt RAD50 protein function with a negative predictive value of 80%. In summary, the available evidence is currently insufficient to determine the role of this variant in disease. Therefore, it has been classified as a Variant of Uncertain Significance.